The following is an entry in ClinVar:

ClinVar aggregate classification (germline): Uncertain significance (1 of 4 stars; one submission).

Conditions:
Diamond-Blackfan anemia. Also called: Blackfan Diamond syndrome; Aregenerative anemia chronic congenital; Red cell aplasia, pure hereditary; Congenital hypoplastic anemia; Aase syndrome. Identifiers: Orphanet 124, MedGen C1260899, MeSH D029503, MONDO:0015253, HP:0004810.

Submission:

Labcorp Genetics (formerly Invitae), Labcorp
Classification: Uncertain significance for Diamond-Blackfan anemia. Last evaluated: 2024-09-01. Review status: criteria provided, single submitter. Criteria: Invitae Variant Classification Sherloc (09022015). Collection method: clinical testing. Allele origin: germline.
Comment: This sequence change replaces valine, which is neutral and non-polar, with alanine, which is neutral and non-polar, at codon 125 of the RPL5 protein (p.Val125Ala). This variant is not present in population databases (gnomAD no frequency). This variant has not been reported in the literature in individuals affected with RPL5-related conditions. Invitae Evidence Modeling of protein sequence and biophysical properties (such as structural, functional, and spatial information, amino acid conservation, physicochemical variation, residue mobility, and thermodynamic stability) indicates that this missense variant is not expected to disrupt RPL5 protein function with a negative predictive value of 80%. In summary, the available evidence is currently insufficient to determine the role of this variant in disease. Therefore, it has been classified as a Variant of Uncertain Significance.

NM_000969.5(RPL5):c.374T>C (p.Val125Ala)

Genes: DIPK1A (divergent protein kinase domain 1A; minus strand), RPL5 (ribosomal protein L5; plus strand). Cytogenetic location: 1p22.1.
Variant type: single nucleotide variant.
Coding change: c.374T>C on transcript NM_000969.5 (MANE Select); coding-DNA position 374, T replaced by C.
Protein change: p.Val125Ala; replaces valine 125 with alanine.
Molecular consequence: missense variant. On other transcripts: non-coding transcript variant (1), intron variant (1).
Genome position (GRCh38, 1-based): chr1:92,836,239, T>C. VCF-style: chr1-92836239-T-C. GRCh37 (hg19) VCF-style: chr1-93301796-T-C.
Other names: c.475-3205A>G (NM_001252273.2); short protein forms V125A.
Identifiers: ClinVar variation 3676717 (VCV003676717.2).